The following is an entry in ClinVar:

NM_006440.5(TXNRD2):c.1525A>G (p.Ile509Val)

Gene: TXNRD2 (thioredoxin reductase 2; minus strand). Cytogenetic location: 22q11.21.
Variant type: single nucleotide variant.
Coding change: c.1525A>G on transcript NM_006440.5 (MANE Select); coding-DNA position 1525, A replaced by G.
Protein change: p.Ile509Val; replaces isoleucine 509 with valine.
Molecular consequence: missense variant. On other transcripts: non-coding transcript variant (1).
Genome position (GRCh38, 1-based): chr22:19,877,155, T>C on the plus strand (A>G on the coding strand, the complement: TXNRD2 is on the minus strand). VCF-style: chr22-19877155-T-C. GRCh37 (hg19) VCF-style: chr22-19864678-T-C.
Other names: c.1522A>G, p.Ile508Val (NM_001352300.2); c.1435A>G, p.Ile479Val (NM_001352301.2); c.1237A>G, p.Ile413Val (NM_001352302.2); short protein forms I509V, I413V, I479V, I508V.
Identifiers: ClinVar variation 3976390 (VCV003976390.1).

ClinVar aggregate classification (germline): Uncertain significance (1 of 4 stars; one submission).

Conditions:
Cardiovascular phenotype. Identifiers: MedGen CN230736.

gnomAD v4.1: 3 of 1,609,918 alleles (0.00019%); highest among the groups gnomAD compares: African/African-American, 0.0013%; no homozygotes.

Submission:

Ambry Genetics
Classification: Uncertain significance for Cardiovascular phenotype. Last evaluated: 2025-03-18. Review status: criteria provided, single submitter. Criteria: Ambry Variant Classification Scheme 2023. Collection method: clinical testing. Allele origin: germline.
Comment: The p.I509V variant (also known as c.1525A>G), located in coding exon 17 of the TXNRD2 gene, results from an A to G substitution at nucleotide position 1525. The isoleucine at codon 509 is replaced by valine, an amino acid with highly similar properties. This amino acid position is conserved. In addition, this alteration is predicted to be tolerated by in silico analysis. Based on the available evidence, the clinical significance of this variant remains unclear.